The following is an entry in ClinVar:

NM_016035.5(COQ4):c.137C>G (p.Pro46Arg)

Genes: COQ4 (coenzyme Q4; plus strand), LOC130002704 (ATAC-STARR-seq lymphoblastoid silent region 20335; plus strand). Cytogenetic location: 9q34.11.
Variant type: single nucleotide variant.
Coding change: c.137C>G on transcript NM_016035.5 (MANE Select); coding-DNA position 137, C replaced by G.
Protein change: p.Pro46Arg; replaces proline 46 with arginine.
Molecular consequence: missense variant.
Genome position (GRCh38, 1-based): chr9:128,323,082, C>G. VCF-style: chr9-128323082-C-G. GRCh37 (hg19) VCF-style: chr9-131085361-C-G.
Other names: p.Pro46Arg; c.137C>G, p.Pro46Arg (NM_001305942.2); short protein forms P46R.
Identifiers: ClinVar variation 1354567 (VCV001354567.5), dbSNP rs566983104, ClinGen allele CA5260419.
Genomic context (GRCh38, chr9:128,323,082, plus strand): 5'-CCCTCCGGGCTAGGAGCGACGGCGCCGGCCCGCTATACTCGCACCACCTCCCCACCTCCC[C>G]GCTGCAGAAAGGGCTGTTGGCCGCCGGCTCCGCGGCGATGGCGCTCTATAACCCCTACCG-3'
Protein context (NP_057119.3, residues 36-56): PLYSHHLPTS[Pro46Arg]LQKGLLAAGS

ClinVar aggregate classification (germline): Uncertain significance. Review status: criteria provided, multiple submitters, no conflicts (2 of 4 stars). 3 submissions from 3 submitters: Uncertain significance (3). Last evaluated 2025-04-30.

Conditions:
Neonatal encephalomyopathy-cardiomyopathy-respiratory distress syndrome. Also called: Coenzyme Q10 deficiency, primary, 7. Identifiers: Orphanet 457185, MedGen C5568562, MONDO:0014562, OMIM 616276.

Allele frequency attached by ClinVar (database versions not stated): 1000 Genomes Project 0.00020; 1000 Genomes Project 30x 0.00016; ExAC 0.00016.
gnomAD v4.1: 361 of 1,612,114 alleles (0.022%); highest among the groups gnomAD compares: Non-Finnish European, 0.025%; no homozygotes.

Submissions (3):

Mayo Clinic Laboratories, Mayo Clinic
Classification: Uncertain significance. Last evaluated: 2025-04-30. Review status: criteria provided, single submitter. Criteria: ACMG Guidelines, 2015. Collection method: clinical testing. Allele origin: germline. Observed: 1 variant allele.
Comment: BP4_moderate

Labcorp Genetics (formerly Invitae), Labcorp
Classification: Uncertain significance for Neonatal encephalomyopathy-cardiomyopathy-respiratory distress syndrome. Last evaluated: 2022-09-01. Review status: criteria provided, single submitter. Criteria: Invitae Variant Classification Sherloc (09022015). Collection method: clinical testing. Allele origin: germline.
Comment: This sequence change replaces proline, which is neutral and non-polar, with arginine, which is basic and polar, at codon 46 of the COQ4 protein (p.Pro46Arg). This variant is present in population databases (rs566983104, gnomAD 0.1%). This variant has not been reported in the literature in individuals affected with COQ4-related conditions. ClinVar contains an entry for this variant (Variation ID: 1354567). Algorithms developed to predict the effect of missense changes on protein structure and function are either unavailable or do not agree on the potential impact of this missense change (SIFT: "Tolerated"; PolyPhen-2: "Possibly Damaging"; Align-GVGD: "Class C0"). In summary, the available evidence is currently insufficient to determine the role of this variant in disease. Therefore, it has been classified as a Variant of Uncertain Significance.

Fulgent Genetics
Classification: Uncertain significance for Neonatal encephalomyopathy-cardiomyopathy-respiratory distress syndrome. Last evaluated: 2021-07-02. Review status: criteria provided, single submitter. Criteria: ACMG Guidelines, 2015. Collection method: clinical testing. Allele origin: unknown.